The following is an entry in ClinVar:

NM_024649.5(BBS1):c.299G>A (p.Arg100Gln)

Gene: BBS1 (Bardet-Biedl syndrome 1; plus strand). Cytogenetic location: 11q13.2.
Variant type: single nucleotide variant.
Coding change: c.299G>A on transcript NM_024649.5 (MANE Select); coding-DNA position 299, G replaced by A.
Protein change: p.Arg100Gln; replaces arginine 100 with glutamine.
Molecular consequence: missense variant.
Genome position (GRCh38, 1-based): chr11:66,514,545, G>A. VCF-style: chr11-66514545-G-A. GRCh37 (hg19) VCF-style: chr11-66282016-G-A.
Other names: c.299G>A (NM_024649.4); short protein forms R100Q.
Identifiers: ClinVar variation 2044326 (VCV002044326.5), dbSNP rs757307889, ClinGen allele CA224073205.

ClinVar aggregate classification (germline): Uncertain significance. Review status: criteria provided, multiple submitters, no conflicts (2 of 4 stars). 4 submissions from 4 submitters: Uncertain significance (4). Last evaluated 2026-09-24.

Conditions:
Bardet-Biedl syndrome (BBS). Identifiers: Orphanet 110, MedGen C0752166, MONDO:0015229.
Bardet-Biedl syndrome 1 (BBS1). Identifiers: MedGen C2936862, MONDO:0008854, OMIM 209900. Disease mechanism: loss of function.
BBS1-related disorder. Also called: BBS1-related condition.

Allele frequency attached by ClinVar (database versions not stated): gnomAD exomes 0.00001; TOPMed 0.00003; gnomAD 0.00005.
gnomAD v4.1: 18 of 1,614,000 alleles (0.0011%); highest among the groups gnomAD compares: Admixed American, 0.01%; no homozygotes.

Submissions (4):

PreventionGenetics, part of Exact Sciences
Classification: Uncertain significance for BBS1-related condition. Last evaluated: 2026-09-24. Review status: criteria provided, single submitter. Criteria: ACMG Guidelines, 2015. Collection method: clinical testing. Allele origin: germline.
Comment: The BBS1 c.299G>A variant is predicted to result in the amino acid substitution p.Arg100Gln. To our knowledge, this variant has not been reported in the literature. This variant is reported in 0.0040% of alleles in individuals of African descent in gnomAD. At this time, the clinical significance of this variant is uncertain due to the absence of conclusive functional and genetic evidence.

Fulgent Genetics
Classification: Uncertain significance for Bardet-Biedl syndrome 1. Last evaluated: 2024-02-28. Review status: criteria provided, single submitter. Criteria: ACMG Guidelines, 2015. Collection method: clinical testing. Allele origin: germline.

New York Genome Center
Classification: Uncertain significance for Bardet-Biedl syndrome 1. Last evaluated: 2023-07-06. Review status: criteria provided, single submitter. Criteria: NYGC Assertion Criteria 2020. Collection method: clinical testing. Allele origin: germline. Observed: 1 heterozygote.

Labcorp Genetics (formerly Invitae), Labcorp
Classification: Uncertain significance for Bardet-Biedl syndrome. Last evaluated: 2022-10-13. Review status: criteria provided, single submitter. Criteria: Invitae Variant Classification Sherloc (09022015). Collection method: clinical testing. Allele origin: germline.
Comment: This sequence change replaces arginine, which is basic and polar, with glutamine, which is neutral and polar, at codon 100 of the BBS1 protein (p.Arg100Gln). This variant is present in population databases (rs757307889, gnomAD 0.004%). This variant has not been reported in the literature in individuals affected with BBS1-related conditions. Advanced modeling of protein sequence and biophysical properties (such as structural, functional, and spatial information, amino acid conservation, physicochemical variation, residue mobility, and thermodynamic stability) performed at Invitae indicates that this missense variant is not expected to disrupt BBS1 protein function. In summary, the available evidence is currently insufficient to determine the role of this variant in disease. Therefore, it has been classified as a Variant of Uncertain Significance.